The following is an entry in ClinVar:

NM_000096.4(CP):c.1349-13T>C

Gene: CP (ceruloplasmin; minus strand). Cytogenetic location: 3q24.
Variant type: single nucleotide variant.
Coding change: c.1349-13T>C on transcript NM_000096.4 (MANE Select); 13 bases into the intron before coding-DNA position 1349, T replaced by C.
Molecular consequence: intron variant.
Genome position (GRCh38, 1-based): chr3:149,199,877, A>G on the plus strand (T>C on the coding strand, the complement: CP is on the minus strand). VCF-style: chr3-149199877-A-G. GRCh37 (hg19) VCF-style: chr3-148917664-A-G.
Identifiers: ClinVar variation 343769 (VCV000343769.17), dbSNP rs17847017, ClinGen allele CA2661044.

ClinVar aggregate classification (germline): Benign. Review status: criteria provided, multiple submitters, no conflicts (2 of 4 stars). 4 submissions from 4 submitters: Benign (4). Last evaluated 2026-02-04.

Conditions:
Deficiency of ferroxidase (ACEP). Also called: Deficiency of ceruloplasmin; Ceruloplasmin deficiency; Familial apoceruloplasmin deficiency; Hereditary ceruloplasmin deficiency; NEURODEGENERATION WITH BRAIN IRON ACCUMULATION 10; Aceruloplasminemia. Identifiers: Orphanet 48818, MedGen C0878682, MONDO:0011426, OMIM 604290, HP:0025498.

Allele frequency attached by ClinVar (database versions not stated): ESP Exome Variant Server 0.00085; gnomAD exomes 0.00299 and 0.01071; gnomAD 0.00469 and 0.00516; ExAC 0.00829; TOPMed 0.00836; 1000 Genomes Project 0.01338; 1000 Genomes Project 30x 0.01343.
gnomAD v4.1: 5,141 of 1,613,382 alleles (0.32%); highest among the groups gnomAD compares: Admixed American, 5.8%; 132 homozygotes.

Submissions (4):

Labcorp Genetics (formerly Invitae), Labcorp
Classification: Benign for Deficiency of ferroxidase. Last evaluated: 2026-02-04. Review status: criteria provided, single submitter. Criteria: Invitae Variant Classification Sherloc (09022015). Collection method: clinical testing. Allele origin: germline.

GeneDx
Classification: Benign. Last evaluated: 2018-07-14. Review status: criteria provided, single submitter. Criteria: GeneDx Variant Classification Process June 2021. Collection method: clinical testing. Allele origin: germline. Affected: yes.

Illumina Laboratory Services, Illumina
Classification: Benign for Deficiency of ferroxidase. Last evaluated: 2018-01-12. Review status: criteria provided, single submitter. Criteria: ICSL Variant Classification Criteria 13 December 2019. Collection method: clinical testing. Allele origin: germline.
Comment: This variant was observed in the ICSL laboratory as part of a predisposition screen in an ostensibly healthy population. It had not been previously curated by ICSL or reported in the Human Gene Mutation Database (HGMD: prior to June 1st, 2018), and was therefore a candidate for classification through an automated scoring system. Utilizing variant allele frequency, disease prevalence and penetrance estimates, and inheritance mode, an automated score was calculated to assess if this variant is too frequent to cause the disease. Based on the score and internal cut-off values, a variant classified as benign is not then subjected to further curation. The score for this variant resulted in a classification of benign for this disease.

Breakthrough Genomics
Classification: Benign. Review status: criteria provided, single submitter. Criteria: ACMG Guidelines, 2015. Collection method: not provided. Allele origin: germline. Inheritance: Autosomal recessive inheritance. Affected: yes.